The following is an entry in ClinVar:

ClinVar aggregate classification (germline): Uncertain significance (1 of 4 stars; one submission).

Submission:

GeneDx
Classification: Uncertain significance. Last evaluated: 2026-01-21. Review status: criteria provided, single submitter. Criteria: GeneDx Variant Classification Process June 2021. Collection method: clinical testing. Allele origin: germline.
Comment: Not observed at significant frequency in large population cohorts (gnomAD); In silico analysis supports that this missense variant has a deleterious effect on protein structure/function; Has not been previously published as pathogenic or benign to our knowledge

NM_001112741.2(KCNC1):c.163T>C (p.Phe55Leu)

Gene: KCNC1 (potassium voltage-gated channel subfamily C member 1; plus strand). Cytogenetic location: 11p15.1.
Variant type: single nucleotide variant.
Coding change: c.163T>C on transcript NM_001112741.2 (MANE Select); coding-DNA position 163, T replaced by C.
Protein change: p.Phe55Leu; replaces phenylalanine 55 with leucine.
Molecular consequence: missense variant.
Genome position (GRCh38, 1-based): chr11:17,736,165, T>C. VCF-style: chr11-17736165-T-C. GRCh37 (hg19) VCF-style: chr11-17757712-T-C.
Other names: c.163T>C, p.Phe55Leu (NM_004976.4); short protein forms F55L.
Identifiers: ClinVar variation 4975416 (VCV004975416.1).